The following is an entry in ClinVar:

ClinVar aggregate classification (germline): Uncertain significance. Review status: criteria provided, multiple submitters, no conflicts (2 of 4 stars). 2 submissions from 2 submitters: Uncertain significance (2). Last evaluated 2022-09-23.

Conditions:
Intellectual developmental disorder, X-linked 100. Also called: Intellectual disability, X-linked 100. Identifiers: MedGen C3890167, MONDO:0010488, OMIM 300923.

Allele frequency attached by ClinVar (database versions not stated): gnomAD 0.00001; gnomAD exomes below 0.00001.
gnomAD v4.1: 3 of 1,196,001 alleles (0.00025%); highest among the groups gnomAD compares: African/African-American, 0.0053%; no homozygotes.

Submissions (2):

Baylor Genetics
Classification: Uncertain significance for Intellectual developmental disorder, X-linked 100. Last evaluated: 2022-09-23. Review status: criteria provided, single submitter. Criteria: ACMG Guidelines, 2015. Collection method: clinical testing. Allele origin: unknown.

GeneDx
Classification: Uncertain significance. Last evaluated: 2022-06-15. Review status: criteria provided, single submitter. Criteria: GeneDx Variant Classification Process June 2021. Collection method: clinical testing. Allele origin: germline. Affected: yes.
Comment: Not observed at significant frequency in large population cohorts (gnomAD); In silico analysis supports that this missense variant has a deleterious effect on protein structure/function; Has not been previously published as pathogenic or benign to our knowledge

NM_012310.5(KIF4A):c.911A>G (p.Asn304Ser)

Gene: KIF4A (kinesin family member 4A; plus strand). Cytogenetic location: Xq13.1.
Variant type: single nucleotide variant.
Coding change: c.911A>G on transcript NM_012310.5 (MANE Select); coding-DNA position 911, A replaced by G.
Protein change: p.Asn304Ser; replaces asparagine 304 with serine.
Molecular consequence: missense variant.
Genome position (GRCh38, 1-based): chrX:70,330,172, A>G. VCF-style: chrX-70330172-A-G. GRCh37 (hg19) VCF-style: chrX-69550022-A-G.
Other names: short protein forms N304S.
Identifiers: ClinVar variation 1806559 (VCV001806559.2), dbSNP rs1403676883, ClinGen allele CA413462844.